The following is an entry in ClinVar:

NM_001018005.2(TPM1):c.634G>T (p.Glu212Ter)

Gene: TPM1 (tropomyosin 1; plus strand). Cytogenetic location: 15q22.2.
Variant type: single nucleotide variant.
Coding change: c.634G>T on transcript NM_001018005.2 (MANE Select); coding-DNA position 634, G replaced by T.
Protein change: p.Glu212Ter; replaces glutamic acid 212 with a stop codon.
Molecular consequence: nonsense. On other transcripts: non-coding transcript variant (16), intron variant (21).
Genome position (GRCh38, 1-based): chr15:63,061,783, G>T. VCF-style: chr15-63061783-G-T. GRCh37 (hg19) VCF-style: chr15-63353982-G-T.
Other names: c.634G>T, p.Glu212Ter (NM_001018004.2, NM_001018007.2, NM_001301244.2 and 7 more transcripts); c.526G>T, p.Glu176Ter (NM_001018008.2, NM_001301289.2, NM_001330346.2 and 3 more transcripts); c.760G>T, p.Glu254Ter (NM_001365778.1, NM_001407324.1); c.640-432G>T (NM_001407336.1, NM_001018020.2, NM_001407326.1 and 10 more transcripts); c.766-432G>T (NM_001407323.1, NM_001407322.1); c.532-432G>T (NM_001330351.2, NM_001330344.2, NM_001365781.2 and 3 more transcripts); short protein forms E176*, E212*, E254*.
Identifiers: ClinVar variation 4722034 (VCV004722034.1).
Genomic context (GRCh38, chr15:63,061,783, plus strand): 5'-GAGCTTGAAGAAGAATTGAAAACTGTGACGAACAACTTGAAGTCACTGGAGGCTCAGGCT[G>T]AGAAGGTAGGCCAGGAGGATGGTGTGGGGGAAAGGCATCTTTTAAGAGCTGCTCAAAAGA-3'

ClinVar aggregate classification (germline): Uncertain significance (1 of 4 stars; one submission).

Conditions:
Hypertrophic cardiomyopathy. Also called: HYPERTROPHIC MYOCARDIOPATHY. Identifiers: Orphanet 217569, MedGen C0007194, MeSH D002312, MONDO:0005045, HP:0001639.

Submission:

Labcorp Genetics (formerly Invitae), Labcorp
Classification: Uncertain significance for Hypertrophic cardiomyopathy. Last evaluated: 2025-06-29. Review status: criteria provided, single submitter. Criteria: Invitae Variant Classification Sherloc (09022015). Collection method: clinical testing. Allele origin: germline.
Comment: This sequence change creates a premature translational stop signal (p.Glu212*) in the TPM1 gene. It is expected to result in an absent or disrupted protein product. However, the current clinical and genetic evidence is not sufficient to establish whether loss-of-function variants in TPM1 cause disease. This variant is not present in population databases (gnomAD no frequency). This variant has not been reported in the literature in individuals affected with TPM1-related conditions. Experimental studies and prediction algorithms are not available or were not evaluated, and the functional significance of this variant is currently unknown. In summary, the available evidence is currently insufficient to determine the role of this variant in disease. Therefore, it has been classified as a Variant of Uncertain Significance.